The following is an entry in ClinVar:

ClinVar aggregate classification (germline): Pathogenic/Likely pathogenic. Review status: criteria provided, multiple submitters, no conflicts (2 of 4 stars). 2 submissions from 2 submitters: Pathogenic (1); Likely pathogenic (1). Last evaluated 2023-10-26.

Conditions:
Fanconi anemia (FA). Also called: Fanconi's anemia. Identifiers: Orphanet 84, MedGen C0015625, MeSH D005199, MONDO:0019391.
Fanconi anemia complementation group A (FANCA). Also called: FANCA-Related Fanconi Anemia; Fanconi anemia, group A. Identifiers: Orphanet 84, MedGen C3469521, MONDO:0009215, OMIM 227650.

Submissions (2):

Labcorp Genetics (formerly Invitae), Labcorp
Classification: Pathogenic for Fanconi anemia. Last evaluated: 2023-10-26. Review status: criteria provided, single submitter. Criteria: Invitae Variant Classification Sherloc (09022015). Collection method: clinical testing. Allele origin: germline.
Comment: This sequence change creates a premature translational stop signal (p.Leu1308Phefs*3) in the FANCA gene. It is expected to result in an absent or disrupted protein product. Loss-of-function variants in FANCA are known to be pathogenic (PMID: 19367192). This variant is not present in population databases (gnomAD no frequency). This variant has not been reported in the literature in individuals affected with FANCA-related conditions. ClinVar contains an entry for this variant (Variation ID: 1451859). For these reasons, this variant has been classified as Pathogenic.

Baylor Genetics
Classification: Likely pathogenic for Fanconi anemia complementation group A. Last evaluated: 2023-07-22. Review status: criteria provided, single submitter. Criteria: ACMG Guidelines, 2015. Collection method: clinical testing. Allele origin: unknown.

Literature cited by the submitters: PubMed 19367192 (cited by Labcorp Genetics (formerly Invitae), Labcorp).

NM_000135.4(FANCA):c.3919_3923dup (p.Leu1308fs)

Genes: FANCA (FA complementation group A; minus strand), ZNF276 (zinc finger protein 276; plus strand). Cytogenetic location: 16q24.3.
Variant type: Duplication.
Coding change: c.3919_3923dup on transcript NM_000135.4 (MANE Select); coding-DNA positions 3919 to 3923, 5 bases duplicated (CAGTT; older notation c.3919_3923dupCAGTT).
Protein change: p.Leu1308fs; shifts the reading frame from leucine 1308.
Molecular consequence: frameshift variant. On other transcripts: 3 prime UTR variant (2), non-coding transcript variant (4).
Genome position (GRCh38, 1-based): chr16:89,740,005-89,740,009, AACTG duplicated on the plus strand (CAGTT on the coding strand, the reverse complement: FANCA is on the minus strand); duplicating any 5 consecutive bases within chr16:89,740,005-89,740,011 gives the same sequence; the c. name uses the placement nearest the transcript's 3' end. VCF-style (leftmost placement, unchanged base first): chr16-89740004-C-CAACTG. GRCh37 (hg19) VCF-style: chr16-89806412-C-CAACTG.
Other names: c.3919_3923dup, p.Leu1308fs (NM_001286167.3); c.*1761_*1765dup (NM_001113525.2, NM_152287.4); short protein forms L1308fs.
Identifiers: ClinVar variation 1451859 (VCV001451859.7), dbSNP rs2151714613, ClinGen allele CA2573152917.